The following is an entry in ClinVar:

NM_017849.4(TMEM127):c.662C>G (p.Pro221Arg)

Gene: TMEM127 (transmembrane protein 127; minus strand). Cytogenetic location: 2q11.2.
Variant type: single nucleotide variant.
Coding change: c.662C>G on transcript NM_017849.4 (MANE Select); coding-DNA position 662, C replaced by G.
Protein change: p.Pro221Arg; replaces proline 221 with arginine.
Molecular consequence: missense variant.
Genome position (GRCh38, 1-based): chr2:96,253,863, G>C on the plus strand (C>G on the coding strand, the complement: TMEM127 is on the minus strand). VCF-style: chr2-96253863-G-C. GRCh37 (hg19) VCF-style: chr2-96919601-G-C.
Other names: c.662C>G, p.Pro221Arg (NM_001193304.3); c.410C>G, p.Pro137Arg (NM_001407282.1, NM_001407283.1); short protein forms P137R, P221R.
Identifiers: ClinVar variation 5030922 (VCV005030922.1).

ClinVar aggregate classification (germline): Uncertain significance (1 of 4 stars; one submission).

Conditions:
Hereditary cancer-predisposing syndrome. Also called: Neoplastic Syndromes, Hereditary; Tumor predisposition; Hereditary neoplastic syndrome; Hereditary Cancer Syndrome. Identifiers: Orphanet 140162, MedGen C0027672, MeSH D009386, MONDO:0015356.

Submission:

Ambry Genetics
Classification: Uncertain significance for Hereditary cancer-predisposing syndrome. Last evaluated: 2026-07-07. Review status: criteria provided, single submitter. Criteria: Ambry Variant Classification Scheme 2023. Collection method: clinical testing. Allele origin: germline.
Comment: The p.P221R variant (also known as c.662C>G), located in coding exon 3 of the TMEM127 gene, results from a C to G substitution at nucleotide position 662. The proline at codon 221 is replaced by arginine, an amino acid with dissimilar properties. This amino acid position is conserved. In addition, this alteration is predicted to be deleterious by in silico analysis. Based on the available evidence, the clinical significance of this variant remains unclear.